The following is an entry in ClinVar:

NM_001006658.3(CR2):c.173T>C (p.Ile58Thr)

Gene: CR2 (complement C3d receptor 2; plus strand). Cytogenetic location: 1q32.2.
Variant type: single nucleotide variant.
Coding change: c.173T>C on transcript NM_001006658.3 (MANE Select); coding-DNA position 173, T replaced by C.
Protein change: p.Ile58Thr; replaces isoleucine 58 with threonine.
Molecular consequence: missense variant.
Genome position (GRCh38, 1-based): chr1:207,466,640, T>C. VCF-style: chr1-207466640-T-C. GRCh37 (hg19) VCF-style: chr1-207639985-T-C.
Other names: c.173T>C, p.Ile58Thr (NM_001877.5); short protein forms I58T.
Identifiers: ClinVar variation 1351587 (VCV001351587.6), dbSNP rs2102300624, ClinGen allele CA344522812.
Genomic context (GRCh38, chr1:207,466,640, plus strand): 5'-CTACCCCCATTGCTGTTGGTACCGTGATAAGGTACAGTTGTTCAGGTACCTTCCGCCTCA[T>C]TGGAGAAAAAAGTCTATTATGCATAACTAAAGACAAAGTGGATGGAACCTGGGATAAACC-3'
Protein context (NP_001006659.1, residues 48-68): RYSCSGTFRL[Ile58Thr]GEKSLLCITK

ClinVar aggregate classification (germline): Uncertain significance (1 of 4 stars; one submission).

Conditions:
Immunodeficiency, common variable, 7. Identifiers: Orphanet 1572, Orphanet 696894, MedGen C3542922, MONDO:0013862, OMIM 614699.

Allele frequency attached by ClinVar (database versions not stated): gnomAD exomes below 0.00001.
gnomAD v4.1: 1 of 1,614,070 alleles (0.000062%); highest among the groups gnomAD compares: South Asian, 0.0011%; no homozygotes.

Submission:

Labcorp Genetics (formerly Invitae), Labcorp
Classification: Uncertain significance for Immunodeficiency, common variable, 7. Last evaluated: 2021-11-14. Review status: criteria provided, single submitter. Criteria: Invitae Variant Classification Sherloc (09022015). Collection method: clinical testing. Allele origin: germline.
Comment: This sequence change replaces isoleucine, which is neutral and non-polar, with threonine, which is neutral and polar, at codon 58 of the CR2 protein (p.Ile58Thr). This variant is not present in population databases (gnomAD no frequency). This variant has not been reported in the literature in individuals affected with CR2-related conditions. Algorithms developed to predict the effect of missense changes on protein structure and function are either unavailable or do not agree on the potential impact of this missense change (SIFT: "Tolerated"; PolyPhen-2: "Probably Damaging"; Align-GVGD: "Class C0"). In summary, the available evidence is currently insufficient to determine the role of this variant in disease. Therefore, it has been classified as a Variant of Uncertain Significance.